The following is an entry in ClinVar:

ClinVar aggregate classification (germline): Uncertain significance (1 of 4 stars; one submission).

Submission:

GeneDx
Classification: Uncertain significance. Last evaluated: 2025-07-24. Review status: criteria provided, single submitter. Criteria: GeneDx Variant Classification Process June 2021. Collection method: clinical testing. Allele origin: germline. Affected: yes.
Comment: Not observed at significant frequency in large population cohorts (gnomAD); Frameshift variant predicted to result in protein truncation or nonsense mediated decay in a gene for which loss of function is a known mechanism of disease; Has not been previously published as pathogenic or benign to our knowledge

NM_000884.3(IMPDH2):c.1311_1312del (p.Lys438fs)

Gene: IMPDH2 (inosine monophosphate dehydrogenase 2; minus strand). Cytogenetic location: 3p21.31.
Variant type: Deletion.
Coding change: c.1311_1312del on transcript NM_000884.3 (MANE Select); coding-DNA positions 1311 to 1312, 2 bases deleted (CA; older notation c.1311_1312delCA).
Protein change: p.Lys438fs; shifts the reading frame from lysine 438.
Molecular consequence: frameshift variant.
Genome position (GRCh38, 1-based): chr3:49,024,786-49,024,787, TG deleted on the plus strand (CA on the coding strand, the reverse complement: IMPDH2 is on the minus strand). VCF-style (leftmost placement, unchanged base first): chr3-49024785-TTG-T. GRCh37 (hg19) VCF-style: chr3-49062218-TTG-T.
Other names: c.1383_1384del, p.Lys462fs (NM_001410759.1); c.1308_1309del, p.Lys437fs (NM_001410760.1); c.1236_1237del, p.Lys413fs (NM_001410761.1); short protein forms K413fs, K437fs, K438fs, K462fs.
Identifiers: ClinVar variation 4686817 (VCV004686817.1).